The following is an entry in ClinVar:

NM_144687.4(NLRP12):c.616C>T (p.Arg206Cys)

Gene: NLRP12 (NLR family pyrin domain containing 12; minus strand). Cytogenetic location: 19q13.42.
Variant type: single nucleotide variant.
Coding change: c.616C>T on transcript NM_144687.4 (MANE Select); coding-DNA position 616, C replaced by T.
Protein change: p.Arg206Cys; replaces arginine 206 with cysteine.
Molecular consequence: missense variant.
Genome position (GRCh38, 1-based): chr19:53,811,043, G>A on the plus strand (C>T on the coding strand, the complement: NLRP12 is on the minus strand). VCF-style: chr19-53811043-G-A. GRCh37 (hg19) VCF-style: chr19-54314297-G-A.
Other names: c.616C>T, p.Arg206Cys (NM_001277126.2, NM_001277129.1); short protein forms R206C.
Identifiers: ClinVar variation 450821 (VCV000450821.18), dbSNP rs111754022, ClinGen allele CA9639659.

ClinVar aggregate classification (germline): Conflicting classifications of pathogenicity. Review status: criteria provided, conflicting classifications (1 of 4 stars). 5 submissions from 5 submitters: Uncertain significance (2); Likely benign (3). Last evaluated 2026-02-01.

Conditions:
Autoinflammatory syndrome. Identifiers: Orphanet 93665, MedGen C3890737, MONDO:0019751.
Familial cold autoinflammatory syndrome 2 (FCAS2). Identifiers: Orphanet 247868, MedGen C2673198, MONDO:0012724, OMIM 611762.

Allele frequency attached by ClinVar (database versions not stated): TOPMed 0.00002; 1000 Genomes Project 30x 0.00031.
gnomAD v4.1: 89 of 1,612,576 alleles (0.0055%); highest among the groups gnomAD compares: Admixed American, 0.0067%; no homozygotes.

Submissions (5):

Labcorp Genetics (formerly Invitae), Labcorp
Classification: Likely benign for Familial cold autoinflammatory syndrome 2. Last evaluated: 2026-02-01. Review status: criteria provided, single submitter. Criteria: Invitae Variant Classification Sherloc (09022015). Collection method: clinical testing. Allele origin: germline.

Blueprint Genetics
Classification: Likely benign. Last evaluated: 2024-01-10. Review status: criteria provided, single submitter. Criteria: ACMG Guidelines, 2015. Collection method: clinical testing. Allele origin: germline.

Genome Diagnostics Laboratory, The Hospital for Sick Children
Classification: Uncertain significance for Autoinflammatory syndrome. Last evaluated: 2021-09-15. Review status: criteria provided, single submitter. Criteria: ACMG Guidelines, 2015. Collection method: clinical testing. Allele origin: germline. Affected: yes.

Illumina Laboratory Services, Illumina
Classification: Likely benign for Familial cold autoinflammatory syndrome 2. Last evaluated: 2018-01-13. Review status: criteria provided, single submitter. Criteria: ICSL Variant Classification Criteria 13 December 2019. Collection method: clinical testing. Allele origin: germline.
Comment: This variant was observed in the ICSL laboratory as part of a predisposition screen in an ostensibly healthy population. It had not been previously curated by ICSL or reported in the Human Gene Mutation Database (HGMD: prior to June 1st, 2018), and was therefore a candidate for classification through an automated scoring system. Utilizing variant allele frequency, disease prevalence and penetrance estimates, and inheritance mode, an automated score was calculated to assess if this variant is too frequent to cause the disease. Based on the score and internal cut-off values, a variant classified as likely benign is not then subjected to further curation. The score for this variant resulted in a classification of likely benign for this disease.

GeneDx
Classification: Uncertain significance. Last evaluated: 2017-07-24. Review status: criteria provided, single submitter. Criteria: GeneDx Variant Classification (06012015). Collection method: clinical testing. Allele origin: germline. Affected: yes.
Comment: The R206C variant in the NLRP12 gene has not been reported previously as a pathogenic variant, nor as a benign variant, to our knowledge. The R206C variant is observed in 8/66560 (0.01%) alleles from individuals of non-Finnish European background in the ExAC dataset (Lek et al., 2016). The R206C variant is a non-conservative amino acid substitution, which is likely to impact secondary protein structure as these residues differ in polarity, charge, size and/or other properties. However, this substitution occurs at a position that is not conserved across species. In silico analysis is inconsistent in its predictions as to whether or not the variant is damaging to the protein structure/function. We interpret R206C as a variant of uncertain significance.